The following is an entry in ClinVar:

ClinVar aggregate classification (germline): Likely benign (1 of 4 stars; one submission).

Allele frequency attached by ClinVar (database versions not stated): TOPMed 0.00012; gnomAD 0.00016; 1000 Genomes Project 0.00020; ExAC 0.00065.
gnomAD v4.1: 507 of 1,610,410 alleles (0.031%); highest among the groups gnomAD compares: South Asian, 0.38%; 6 homozygotes.

Submission:

CeGaT Center for Human Genetics Tuebingen
Classification: Likely benign. Last evaluated: 2023-03-01. Review status: criteria provided, single submitter. Criteria: CeGaT Center For Human Genetics Tuebingen Variant Classification Criteria Version 2. Collection method: clinical testing. Allele origin: germline. Affected: yes. Observed: 1 variant allele.
Comment: MAMDC4: BP4, BS2

NM_206920.3(MAMDC4):c.920G>A (p.Arg307Gln)

Gene: MAMDC4 (MAM domain containing 4; plus strand). Cytogenetic location: 9q34.3.
Variant type: single nucleotide variant.
Coding change: c.920G>A on transcript NM_206920.3 (MANE Select); coding-DNA position 920, G replaced by A.
Protein change: p.Arg307Gln; replaces arginine 307 with glutamine.
Molecular consequence: missense variant.
Genome position (GRCh38, 1-based): chr9:136,854,662, G>A. VCF-style: chr9-136854662-G-A. GRCh37 (hg19) VCF-style: chr9-139749114-G-A.
Other names: short protein forms R307Q.
Identifiers: ClinVar variation 2659756 (VCV002659756.24), dbSNP rs147996833, ClinGen allele CA5348194.
Genomic context (GRCh38, chr9:136,854,662, plus strand): 5'-CCCGGAACCACCGCGCTGGTGGTCCTGAGCGCCCCTCCTGGCCACGCCGTGACCACAGCC[G>A]GAACAGTGCACAGGGTGAGGCCCACAGAGGACCCGGCCCAGGCCCTGCCCACGCAGCCAC-3'
Protein context (NP_996803.2, residues 297-317): RPSWPRRDHS[Arg307Gln]NSAQGSFLVS